The following is an entry in ClinVar:

NM_006393.3(NEBL):c.2055+106G>A

Gene: NEBL (nebulette; minus strand). Cytogenetic location: 10p12.31.
Variant type: single nucleotide variant.
Coding change: c.2055+106G>A on transcript NM_006393.3 (MANE Select); 106 bases into the intron after coding-DNA position 2055, G replaced by A.
Molecular consequence: intron variant.
Genome position (GRCh38, 1-based): chr10:20,819,318, C>T on the plus strand (G>A on the coding strand, the complement: NEBL is on the minus strand). VCF-style: chr10-20819318-C-T. GRCh37 (hg19) VCF-style: chr10-21108247-C-T.
Other names: c.250-6378G>A (NM_001377326.1, NM_001377327.1, NM_001377328.1); c.358-6378G>A (NM_213569.2, NM_001173484.2, NM_001377322.1); c.301-6378G>A (NM_001377324.1); c.292-6378G>A (NM_001377325.1); c.310-6378G>A (NM_001377323.1).
Identifiers: ClinVar variation 672883 (VCV000672883.2), dbSNP rs1006362, ClinGen allele CA13281674.

ClinVar aggregate classification (germline): Benign. Review status: criteria provided, multiple submitters, no conflicts (2 of 4 stars). 2 submissions from 2 submitters: Benign (2). Last evaluated 2018-06-14.

Allele frequency attached by ClinVar (database versions not stated): gnomAD exomes 0.40353; gnomAD 0.46359 and 0.46761; TOPMed 0.48488; 1000 Genomes Project 30x 0.55169; 1000 Genomes Project 0.55312.
gnomAD v4.1: 641,808 of 1,559,718 alleles (41%); highest among the groups gnomAD compares: African/African-American, 65%; 138,271 homozygotes.

Submissions (2):

GeneDx
Classification: Benign. Last evaluated: 2018-06-14. Review status: criteria provided, single submitter. Criteria: GeneDx Variant Classification (06012015). Collection method: clinical testing. Allele origin: germline. Affected: yes.
Comment: This variant is considered likely benign or benign based on one or more of the following criteria: it is a conservative change, it occurs at a poorly conserved position in the protein, it is predicted to be benign by multiple in silico algorithms, and/or has population frequency not consistent with disease.

Breakthrough Genomics
Classification: Benign. Review status: criteria provided, single submitter. Criteria: ACMG Guidelines, 2015. Collection method: not provided. Allele origin: germline. Inheritance: Unknown mechanism. Affected: yes.